The following is an entry in ClinVar:

ClinVar aggregate classification (germline): Conflicting classifications of pathogenicity. Review status: criteria provided, conflicting classifications (1 of 4 stars). 5 submissions from 5 submitters: Uncertain significance (4); Likely benign (1). Last evaluated 2025-04-07.

Conditions:
Joubert syndrome 21 (JBTS21). Identifiers: MedGen C3810212, MONDO:0014288, OMIM 615636.
Inborn genetic diseases. Identifiers: MedGen C0950123, MeSH D030342.

Allele frequency attached by ClinVar (database versions not stated): gnomAD 0.00006 and 0.00007; gnomAD exomes 0.00007 and 0.00002; 1000 Genomes Project 30x 0.00016; 1000 Genomes Project 0.00020; TOPMed 0.00004; ExAC 0.00005.
gnomAD v4.1: 44 of 1,603,612 alleles (0.0027%); highest among the groups gnomAD compares: Admixed American, 0.031%; no homozygotes.

Submissions (5):

Ambry Genetics
Classification: Uncertain significance for Inborn genetic diseases. Last evaluated: 2025-04-07. Review status: criteria provided, single submitter. Criteria: Ambry Variant Classification Scheme 2023. Collection method: clinical testing. Allele origin: germline.

Labcorp Genetics (formerly Invitae), Labcorp
Classification: Uncertain significance for Joubert syndrome 21. Last evaluated: 2024-12-09. Review status: criteria provided, single submitter. Criteria: Invitae Variant Classification Sherloc (09022015). Collection method: clinical testing. Allele origin: germline.
Comment: This sequence change replaces alanine, which is neutral and non-polar, with valine, which is neutral and non-polar, at codon 38 of the CSPP1 protein (p.Ala38Val). This variant is present in population databases (rs553988238, gnomAD 0.03%). This variant has not been reported in the literature in individuals affected with CSPP1-related conditions. ClinVar contains an entry for this variant (Variation ID: 541694). An algorithm developed to predict the effect of missense changes on protein structure and function (PolyPhen-2) suggests that this variant¬†is likely to be tolerated. In summary, the available evidence is currently insufficient to determine the role of this variant in disease. Therefore, it has been classified as a Variant of Uncertain Significance.

3billion
Classification: Likely benign for Joubert syndrome 21. Last evaluated: 2024-09-20. Review status: criteria provided, single submitter. Criteria: ACMG Guidelines, 2015. Collection method: clinical testing. Allele origin: germline. Affected: no.
Comment: The homozygous variant was found in patients diagnosed with another variant in a different gene, with no symptoms related to the gene containing the homozygous variant.

Blueprint Genetics
Classification: Uncertain significance. Last evaluated: 2023-05-30. Review status: criteria provided, single submitter. Criteria: ACMG Guidelines, 2015. Collection method: clinical testing. Allele origin: germline.

GeneDx
Classification: Uncertain significance. Last evaluated: 2022-08-11. Review status: criteria provided, single submitter. Criteria: GeneDx Variant Classification Process June 2021. Collection method: clinical testing. Allele origin: germline. Affected: yes.
Comment: In silico analysis supports that this missense variant does not alter protein structure/function; Has not been previously published as pathogenic or benign to our knowledge

NM_001382391.1(CSPP1):c.5C>T (p.Ala2Val)

Gene: CSPP1 (centrosome and spindle pole associated protein 1; plus strand). Cytogenetic location: 8q13.1.
Variant type: single nucleotide variant.
Coding change: c.5C>T on transcript NM_001382391.1 (MANE Select); coding-DNA position 5, C replaced by T.
Protein change: p.Ala2Val; replaces alanine 2 with valine.
Molecular consequence: missense variant.
Genome position (GRCh38, 1-based): chr8:67,074,257, C>T. VCF-style: chr8-67074257-C-T. GRCh37 (hg19) VCF-style: chr8-67986492-C-T.
Other names: c.5C>T, p.Ala2Val (NM_001363131.2, NM_001363132.2, NM_001363133.2); c.113C>T, p.Ala38Val (NM_001364869.1, NM_001364870.1, NM_024790.7); short protein forms A38V, A2V.
Identifiers: ClinVar variation 541694 (VCV000541694.8), dbSNP rs553988238, ClinGen allele CA4770098.
Genomic context (GRCh38, chr8:67,074,257, plus strand): 5'-AAAAATACTGTGATATAGATACGCTCACTGAAATTTTTTTTTAAAGAATCTGCAAAATGG[C>T]TGATAATTTGGATGAATTTATTGAAGAGCAAAAAGCCAGATTGGCCGAAGACAAAGCAGA-3'
Protein context (NP_001369320.1, residues 1-12): M[Ala2Val]DNLDEFIEEQ